The following is an entry in ClinVar:

ClinVar aggregate classification (germline): Uncertain significance (1 of 4 stars; one submission).

Submission:

CeGaT Center for Human Genetics Tuebingen
Classification: Uncertain significance. Last evaluated: 2026-01-01. Review status: criteria provided, single submitter. Criteria: CeGaT Center For Human Genetics Tuebingen Variant Classification Criteria Version 2. Collection method: clinical testing. Allele origin: germline. Affected: yes. Observed: 1 variant allele.
Comment: PHF6: PM2, PP2, PP3

NM_001015877.2(PHF6):c.797A>C (p.Lys266Thr)

Gene: PHF6 (PHD finger protein 6; plus strand). Cytogenetic location: Xq26.2.
Variant type: single nucleotide variant.
Coding change: c.797A>C on transcript NM_001015877.2 (MANE Select); coding-DNA position 797, A replaced by C.
Protein change: p.Lys266Thr; replaces lysine 266 with threonine.
Molecular consequence: missense variant.
Genome position (GRCh38, 1-based): chrX:134,415,083, A>C. VCF-style: chrX-134415083-A-C. GRCh37 (hg19) VCF-style: chrX-133549113-A-C.
Other names: c.800A>C, p.Lys267Thr (NM_032335.3); c.797A>C, p.Lys266Thr (NM_032458.3); short protein forms K266T, K267T.
Identifiers: ClinVar variation 4823186 (VCV004823186.4).